The following is an entry in ClinVar:

NM_000540.3(RYR1):c.8598C>T (p.Thr2866=)

Genes: RYR1 (ryanodine receptor 1; plus strand), LOC126862902 (BRD4-independent group 4 enhancer GRCh37_chr19:38995830-38997029; plus strand). Cytogenetic location: 19q13.2.
Variant type: single nucleotide variant.
Coding change: c.8598C>T on transcript NM_000540.3 (MANE Select); coding-DNA position 8598, C replaced by T.
Protein change: p.Thr2866=; no amino-acid change (threonine 2866 retained).
Molecular consequence: synonymous variant.
Genome position (GRCh38, 1-based): chr19:38,506,359, C>T. VCF-style: chr19-38506359-C-T. GRCh37 (hg19) VCF-style: chr19-38996999-C-T.
Other names: c.8598C>T, p.Thr2866= (NM_001042723.2).
Identifiers: ClinVar variation 212106 (VCV000212106.21), dbSNP rs538250432, ClinGen allele CA072329.

ClinVar aggregate classification (germline): Conflicting classifications of pathogenicity. Review status: criteria provided, conflicting classifications (1 of 4 stars). 6 submissions from 6 submitters: Uncertain significance (1); Benign (1); Likely benign (4). Last evaluated 2026-02-01.

Conditions:
RYR1-related disorder. Also called: RYR1-related condition; RYR1-related disorders. Identifiers: MedGen CN239331.
Malignant hyperthermia, susceptibility to, 1 (MHS1). Also called: RYR1-Related Malignant Hyperthermia Susceptibility; Anesthesia related hyperthermia; Malignant hyperpyrexia; Fulminating hyperpyrexia; Pharmacogenic myopathy; Malignant hyperthermia suceptibility 1. Identifiers: Orphanet 423, MedGen C2930980, MONDO:0007783, OMIM 145600.

Allele frequency attached by ClinVar (database versions not stated): gnomAD exomes 0.00005 and 0.00018; gnomAD 0.00006 and 0.00010; TOPMed 0.00012; ExAC 0.00021; 1000 Genomes Project 0.00080; 1000 Genomes Project 30x 0.00094.
gnomAD v4.1: 90 of 1,613,818 alleles (0.0056%); highest among the groups gnomAD compares: East Asian, 0.15%; 1 homozygote.

Submissions (6):

Labcorp Genetics (formerly Invitae), Labcorp
Classification: Benign for RYR1-related disorder. Last evaluated: 2026-02-01. Review status: criteria provided, single submitter. Criteria: Invitae Variant Classification Sherloc (09022015). Collection method: clinical testing. Allele origin: germline.

Blueprint Genetics
Classification: Likely benign. Last evaluated: 2024-06-26. Review status: criteria provided, single submitter. Criteria: ACMG Guidelines, 2015. Collection method: clinical testing. Allele origin: germline.

All of Us Research Program, National Institutes of Health
Classification: Likely benign for Malignant hyperthermia, susceptibility to, 1. Last evaluated: 2024-02-05. Review status: criteria provided, single submitter. Criteria: ACMG Guidelines, 2015. Collection method: clinical testing. Allele origin: germline. Inheritance: Autosomal dominant inheritance. Observed: 12 variant alleles, 12 heterozygotes.
Comment: This study involves interpretation of variants in research participants for the purpose of population health screening. Participant phenotype was not available at the time of variant classification. Additional details can be found in publication PMID: 35346344, PMCID: PMC8962531

Color Diagnostics, LLC DBA Color Health
Classification: Likely benign for Malignant hyperthermia, susceptibility to, 1. Last evaluated: 2022-11-06. Review status: criteria provided, single submitter. Criteria: ACMG Guidelines, 2015. Collection method: clinical testing. Allele origin: germline.

PreventionGenetics, part of Exact Sciences
Classification: Likely benign. Last evaluated: 2018-09-13. Review status: criteria provided, single submitter. Criteria: ACMG Guidelines, 2015. Collection method: clinical testing. Allele origin: germline.

Genetic Services Laboratory, University of Chicago
Classification: Uncertain significance. Last evaluated: 2015-04-10. Review status: criteria provided, single submitter. Criteria: ACMG Guidelines, 2015. Collection method: clinical testing. Allele origin: germline.